The following is an entry in ClinVar:

NM_016507.4(CDK12):c.247T>A (p.Phe83Ile)

Genes: CDK12 (cyclin dependent kinase 12; plus strand), LOC126862553 (CDK7 strongly-dependent group 2 enhancer GRCh37_chr17:37618166-37619365; plus strand). Cytogenetic location: 17q12.
Variant type: single nucleotide variant.
Coding change: c.247T>A on transcript NM_016507.4 (MANE Select); coding-DNA position 247, T replaced by A.
Protein change: p.Phe83Ile; replaces phenylalanine 83 with isoleucine.
Molecular consequence: missense variant.
Genome position (GRCh38, 1-based): chr17:39,462,318, T>A. VCF-style: chr17-39462318-T-A. GRCh37 (hg19) VCF-style: chr17-37618571-T-A.
Other names: c.247T>A, p.Phe83Ile (NM_015083.4); short protein forms F83I.
Identifiers: ClinVar variation 3830657 (VCV003830657.1).
Genomic context (GRCh38, chr17:39,462,318, plus strand): 5'-CTGGGCACAGTTATCAAACCTTTGGTGGAGTATGATGATATCAGCTCTGATTCCGACACC[T>A]TCTCCGATGACATGGCCTTCAAACTAGACCGAAGGGAGAACGACGAACGTCGTGGATCAG-3'
Protein context (NP_057591.2, residues 73-93): YDDISSDSDT[Phe83Ile]SDDMAFKLDR

ClinVar aggregate classification (germline): Uncertain significance (1 of 4 stars; one submission).

gnomAD v4.1: 6 of 1,614,142 alleles (0.00037%); highest among the groups gnomAD compares: South Asian, 0.0011%; no homozygotes.

Submission:

Ambry Genetics
Classification: Uncertain significance. Last evaluated: 2025-02-13. Review status: criteria provided, single submitter. Criteria: Ambry Variant Classification Scheme 2023. Collection method: clinical testing. Allele origin: germline.
Comment: The p.F83I variant (also known as c.247T>A), located in coding exon 1 of the CDK12 gene, results from a T to A substitution at nucleotide position 247. The phenylalanine at codon 83 is replaced by isoleucine, an amino acid with highly similar properties. This amino acid position is conserved. In addition, this alteration is predicted to be tolerated by in silico analysis. Based on the available evidence, the clinical significance of this variant remains unclear.